The following is an entry in ClinVar:

ClinVar aggregate classification (germline): Uncertain significance (1 of 4 stars; one submission).

Conditions:
Fanconi anemia (FA). Also called: Fanconi's anemia. Identifiers: Orphanet 84, MedGen C0015625, MeSH D005199, MONDO:0019391.

Submission:

Labcorp Genetics (formerly Invitae), Labcorp
Classification: Uncertain significance for Fanconi anemia. Last evaluated: 2022-12-07. Review status: criteria provided, single submitter. Criteria: Invitae Variant Classification Sherloc (09022015). Collection method: clinical testing. Allele origin: germline.
Comment: This variant has not been reported in the literature in individuals affected with FANCM-related conditions. This variant is present in population databases (no rsID available, gnomAD 0.003%). This sequence change falls in intron 7 of the FANCM gene. It does not directly change the encoded amino acid sequence of the FANCM protein. It affects a nucleotide within the consensus splice site. Variants that disrupt the consensus splice site are a relatively common cause of aberrant splicing (PMID: 17576681, 9536098). Algorithms developed to predict the effect of sequence changes on RNA splicing suggest that this variant is not likely to affect RNA splicing. In summary, the available evidence is currently insufficient to determine the role of this variant in disease. Therefore, it has been classified as a Variant of Uncertain Significance.

Literature cited by the submitters: PubMed 17576681; PubMed 9536098.

NM_020937.4(FANCM):c.1309+6del

Gene: FANCM (FA complementation group M; plus strand). Cytogenetic location: 14q21.2.
Variant type: Deletion.
Coding change: c.1309+6del on transcript NM_020937.4 (MANE Select); 6 bases into the intron after coding-DNA position 1309, one base deleted (G; older notation c.1309+6delG).
Molecular consequence: intron variant.
Genome position (GRCh38, 1-based): chr14:45,154,828, G deleted; the last of 2 consecutive G bases (chr14:45,154,827-45,154,828); deleting either gives the same sequence. VCF-style (leftmost placement, unchanged base first): chr14-45154826-TG-T. GRCh37 (hg19) VCF-style: chr14-45624029-TG-T.
Other names: c.1231+6del (NM_001308133.2); c.1309+6del (NM_001308134.2).
Identifiers: ClinVar variation 2873626 (VCV002873626.3), dbSNP rs926175984, ClinGen allele CA259616579.